The following is an entry in ClinVar:

ClinVar aggregate classification (germline): Pathogenic (1 of 4 stars; one submission).

Conditions:
Combined oxidative phosphorylation defect type 17. Also called: Combined oxidative phosphorylation deficiency 17. Identifiers: Orphanet 369913, MedGen C3809526, MONDO:0014190, OMIM 615440.

Submission:

Labcorp Genetics (formerly Invitae), Labcorp
Classification: Pathogenic for Combined oxidative phosphorylation defect type 17. Last evaluated: 2023-04-22. Review status: criteria provided, single submitter. Criteria: Invitae Variant Classification Sherloc (09022015). Collection method: clinical testing. Allele origin: germline.
Comment: A gross deletion of the genomic region encompassing the full coding sequence of the ELAC2 gene has been identified. Loss-of-function variants in ELAC2 are known to be pathogenic (PMID: 27769300, 31045291). The boundaries of this event are unknown as they extend beyond the assayed region for this gene and therefore may encompass additional genes. This variant has not been reported in the literature in individuals affected with ELAC2-related conditions. For these reasons, this variant has been classified as Pathogenic.

Literature cited by the submitters: PubMed 27769300; PubMed 31045291.

NC_000017.10:g.(?_12896135)_(12921264_?)del

Gene: ELAC2 (elaC ribonuclease Z 2; minus strand). Cytogenetic location: 17p12.
Variant type: Deletion.
Identifiers: ClinVar variation 1459699 (VCV001459699.5).